The following is an entry in ClinVar:

NM_000545.8(HNF1A):c.*170C>T

Genes: C12orf43 (chromosome 12 open reading frame 43; minus strand), HNF1A (HNF1 homeobox A; plus strand). Cytogenetic location: 12q24.31.
Variant type: single nucleotide variant.
Coding change: c.*170C>T on transcript NM_000545.8 (MANE Select); 170 bases downstream of the stop codon, C replaced by T.
Molecular consequence: 3 prime UTR variant.
Genome position (GRCh38, 1-based): chr12:121,001,362, C>T. VCF-style: chr12-121001362-C-T. GRCh37 (hg19) VCF-style: chr12-121439165-C-T.
Other names: c.*2791G>A (NM_001286191.2, NM_001286196.2, NM_022895.3); c.*170C>T (NM_001306179.2, NM_001406915.1).
Identifiers: ClinVar variation 307463 (VCV000307463.6), dbSNP rs547080919, ClinGen allele CA10641193.

ClinVar aggregate classification (germline): Conflicting classifications of pathogenicity. Review status: criteria provided, conflicting classifications (1 of 4 stars). 2 submissions from 2 submitters: Uncertain significance (1); Benign (1). Last evaluated 2018-01-13.

Conditions:
Maturity-onset diabetes of the young (MODY). Also called: Maturity onset diabetes mellitus in young. Identifiers: Orphanet 552, MedGen C0342276, MONDO:0018911, HP:0004904.
Maturity-onset diabetes of the young type 3. Also called: MODY, type III; MODY type 3. Identifiers: Orphanet 552, MedGen C1838100, MeSH C563933, MONDO:0010894, OMIM 600496. Disease mechanism: loss of function.

Allele frequency attached by ClinVar (database versions not stated): 1000 Genomes Project 30x 0.00016; 1000 Genomes Project 0.00020; gnomAD 0.00022 and 0.00023; TOPMed 0.00023.
gnomAD v4.1: 139 of 820,796 alleles (0.017%); highest among the groups gnomAD compares: South Asian, 0.054%; no homozygotes.

Submissions (2):

Illumina Laboratory Services, Illumina
Classification: Uncertain significance for Maturity-onset diabetes of the young type 3. Last evaluated: 2018-01-13. Review status: criteria provided, single submitter. Criteria: ICSL Variant Classification Criteria 13 December 2019. Collection method: clinical testing. Allele origin: germline.

Clinical Genomics, Uppaluri K&H Personalized Medicine Clinic
Classification: Benign for Maturity-onset diabetes of the young. Review status: criteria provided, single submitter. Criteria: K & H Uppaluri Personalized Medicine Clinic Variant Classification & Assertion Criteria_Updated V.1. Collection method: research. Allele origin: unknown. Inheritance: Autosomal dominant inheritance.
Comment: Mutations in HNF1A gene can predispose to MODY3. It is associated with both micro and macrovascular complications of diabetes, especially cardiovascular complications. Associated with glucosuria. May respond well to sulfonylureas. However, more evidence is required to confer the association of this particular variant rs547080919 with MODY3.

Literature cited by the submitters: PubMed 31517624 (cited by Clinical Genomics, Uppaluri K&H Personalized Medicine Clinic); PubMed 32395877 (cited by Clinical Genomics, Uppaluri K&H Personalized Medicine Clinic); PubMed 35328643 (cited by Clinical Genomics, Uppaluri K&H Personalized Medicine Clinic); PubMed 35673428 (cited by Clinical Genomics, Uppaluri K&H Personalized Medicine Clinic).